The following is an entry in ClinVar:

ClinVar aggregate classification (germline): Uncertain significance (1 of 4 stars; one submission).

Submission:

GeneDx
Classification: Uncertain significance. Last evaluated: 2020-02-18. Review status: criteria provided, single submitter. Criteria: GeneDx Variant Classification Process June 2021. Collection method: clinical testing. Allele origin: germline. Affected: yes.
Comment: Not observed in large population cohorts (Lek et al., 2016); In silico analysis supports that this missense variant has a deleterious effect on protein structure/function; Has not been previously published as pathogenic or benign to our knowledge

NM_000238.4(KCNH2):c.1907C>T (p.Ser636Leu)

Gene: KCNH2 (potassium voltage-gated channel subfamily H member 2; minus strand). Cytogenetic location: 7q36.1.
Variant type: single nucleotide variant.
Coding change: c.1907C>T on transcript NM_000238.4 (MANE Select); coding-DNA position 1907, C replaced by T.
Protein change: p.Ser636Leu; replaces serine 636 with leucine.
Molecular consequence: missense variant.
Genome position (GRCh38, 1-based): chr7:150,951,486, G>A on the plus strand (C>T on the coding strand, the complement: KCNH2 is on the minus strand). VCF-style: chr7-150951486-G-A. GRCh37 (hg19) VCF-style: chr7-150648574-G-A.
Other names: c.887C>T, p.Ser296Leu (NM_001204798.2, NM_172057.3); c.1619C>T, p.Ser540Leu (NM_001406753.1, NM_001406756.1); c.1730C>T, p.Ser577Leu (NM_001406755.1); c.1607C>T, p.Ser536Leu (NM_001406757.1); c.1907C>T, p.Ser636Leu (NM_172056.3); short protein forms S296L, S636L, S540L, S536L, S577L.
Identifiers: ClinVar variation 1303526 (VCV001303526.4), dbSNP rs2116959215, ClinGen allele CA369857865.
Genomic context (GRCh38, chr7:150,951,486, plus strand): 5'-GCCCGCCCCTGGGCACACTCACAGCCAATGAGCATGACGCAGATGGAGAAGATCTTCTCT[G>A]AGTTGGTGTTGGGAGAGACGTTGCCGAAGCCCACACTGGTGAGGCTGCTGAAGGTGAAGT-3'
Protein context (NP_000229.1, residues 626-646): GFGNVSPNTN[Ser636Leu]EKIFSICVML